The following is an entry in ClinVar:

ClinVar aggregate classification (germline): Pathogenic/Likely pathogenic. Review status: criteria provided, multiple submitters, no conflicts (2 of 4 stars). 4 submissions from 4 submitters: Pathogenic (2); Likely pathogenic (2). Last evaluated 2026-01-06.

Conditions:
Multiple epiphyseal dysplasia type 4 (EDM4). Also called: Multiple Epiphyseal Dysplasia, Recessive; MULTIPLE EPIPHYSEAL DYSPLASIA WITH BILAYERED PATELLAE; MULTIPLE EPIPHYSEAL DYSPLASIA WITH CLUBFOOT; MULTIPLE EPIPHYSEAL DYSPLASIA, AUTOSOMAL RECESSIVE; SLC26A2-Related Multiple Epiphyseal Dysplasia. Identifiers: Orphanet 93307, MedGen C1847593, MONDO:0009189, OMIM 226900.
Atelosteogenesis type II (AO2). Also called: NEONATAL OSSEOUS DYSPLASIA I; SLC26A2-Related Atelosteogenesis; Neonatal osseous dysplasia 1. Identifiers: Orphanet 56304, MedGen C1850554, MONDO:0009727, OMIM 256050.
Diastrophic dysplasia (DTD). Also called: Diastrophic dwarfism. Identifiers: Orphanet 628, MedGen C0220726, MONDO:0009107, OMIM 222600.
Achondrogenesis, type IB (ACG1B). Also called: Achondrogenesis Type 1B. Identifiers: Orphanet 932, Orphanet 93298, MedGen C0265274, MONDO:0010966, OMIM 600972.

Submissions (4):

Labcorp Genetics (formerly Invitae), Labcorp
Classification: Pathogenic for Atelosteogenesis type II; Multiple epiphyseal dysplasia type 4; Achondrogenesis, type IB; Diastrophic dysplasia. Last evaluated: 2026-01-06. Review status: criteria provided, single submitter. Criteria: Invitae Variant Classification Sherloc (09022015). Collection method: clinical testing. Allele origin: germline.
Comment: This sequence change creates a premature translational stop signal (p.Leu275Serfs*67) in the SLC26A2 gene. While this is not anticipated to result in nonsense mediated decay, it is expected to disrupt the last 465 amino acid(s) of the SLC26A2 protein. This variant is present in population databases (rs750882937, gnomAD 0.006%). This variant has not been reported in the literature in individuals affected with SLC26A2-related conditions. ClinVar contains an entry for this variant (Variation ID: 935588). This variant disrupts a region of the SLC26A2 protein in which other variant(s) (p.Tyr569*, p.Lys575Serfs*10, p.Thr627Leufs*23, p.Ser551Valfs*34, p.Glu354*) have been determined to be pathogenic (PMID: 8528239, 8571951; internal data). This suggests that this is a clinically significant region of the protein, and that variants that disrupt it are likely to be disease-causing. For these reasons, this variant has been classified as Pathogenic.

Natera, Inc.
Classification: Likely pathogenic for Achondrogenesis type IB. Last evaluated: 2025-11-24. Review status: criteria provided, single submitter. Criteria: Natera Variant Classification Schema (03/2026). Collection method: clinical testing. Allele origin: germline.
Comment: The c.819delT variant in SLC26A2 is a frameshift variant predicted to shift the reading frame beginning at codon 275 and leads to a stop codon 67 codons downstream. This variant is expected to result in nonsense mediated decay, truncation, or a dysfunctional protein product. This variant is rare in the general population with a frequency below the threshold expected for the associated phenotype(s). Given the available evidence, this variant is classified as Likely Pathogenic.

Fulgent Genetics
Classification: Likely pathogenic for Diastrophic dysplasia; Multiple epiphyseal dysplasia type 4; Atelosteogenesis type II; Achondrogenesis, type IB. Last evaluated: 2024-04-02. Review status: criteria provided, single submitter. Criteria: ACMG Guidelines, 2015. Collection method: clinical testing. Allele origin: germline.

Baylor Genetics
Classification: Pathogenic for Achondrogenesis, type IB. Last evaluated: 2023-11-16. Review status: criteria provided, single submitter. Criteria: ACMG Guidelines, 2015. Collection method: clinical testing. Allele origin: unknown.

Literature cited by the submitters: PubMed 8528239 (cited by Labcorp Genetics (formerly Invitae), Labcorp); PubMed 8571951 (cited by Labcorp Genetics (formerly Invitae), Labcorp).

NM_000112.4(SLC26A2):c.819del (p.Leu275fs)

Gene: SLC26A2 (solute carrier family 26 member 2; plus strand). Cytogenetic location: 5q32.
Variant type: Deletion.
Coding change: c.819del on transcript NM_000112.4 (MANE Select); coding-DNA position 819, one base deleted (T; older notation c.819delT).
Protein change: p.Leu275fs; shifts the reading frame from leucine 275.
Molecular consequence: frameshift variant.
Genome position (GRCh38, 1-based): chr5:149,980,412, T deleted; the last of 2 consecutive T bases (chr5:149,980,411-149,980,412); deleting either gives the same sequence. VCF-style (leftmost placement, unchanged base first): chr5-149980410-CT-C. GRCh37 (hg19) VCF-style: chr5-149359973-CT-C.
Other names: c.819delT (NM_000112.3); short protein forms L275fs.
Identifiers: ClinVar variation 935588 (VCV000935588.12), dbSNP rs750882937, ClinGen allele CA3505328.